The following is an entry in ClinVar:

ClinVar aggregate classification (germline): Benign/Likely benign. Review status: criteria provided, multiple submitters, no conflicts (2 of 4 stars). 5 submissions from 5 submitters: Benign (1); Likely benign (4). Last evaluated 2026-01-29.

Allele frequency attached by ClinVar (database versions not stated): gnomAD exomes 0.00042 and 0.00067; ExAC 0.00085; 1000 Genomes Project 0.00200; gnomAD 0.00206 and 0.00223; 1000 Genomes Project 30x 0.00219; TOPMed 0.00239; ESP Exome Variant Server 0.00292.
gnomAD v4.1: 941 of 1,612,290 alleles (0.058%); highest among the groups gnomAD compares: African/African-American, 0.7%; 1 homozygote.

Submissions (5):

Labcorp Genetics (formerly Invitae), Labcorp
Classification: Benign. Last evaluated: 2026-01-29. Review status: criteria provided, single submitter. Criteria: Invitae Variant Classification Sherloc (09022015). Collection method: clinical testing. Allele origin: germline.

Mayo Clinic Laboratories, Mayo Clinic
Classification: Likely benign. Last evaluated: 2025-02-25. Review status: criteria provided, single submitter. Criteria: ACMG Guidelines, 2015. Collection method: clinical testing. Allele origin: germline. Observed: 2 variant alleles.
Comment: BS1, BP4_moderate, BP7

Blueprint Genetics
Classification: Likely benign. Last evaluated: 2024-11-15. Review status: criteria provided, single submitter. Criteria: ACMG Guidelines, 2015. Collection method: clinical testing. Allele origin: germline.

CeGaT Center for Human Genetics Tuebingen
Classification: Likely benign. Last evaluated: 2022-01-01. Review status: criteria provided, single submitter. Criteria: CeGaT Center For Human Genetics Tuebingen Variant Classification Criteria Version 2. Collection method: clinical testing. Allele origin: germline. Affected: yes. Observed: 1 variant allele.

Breakthrough Genomics
Classification: Likely benign. Review status: criteria provided, single submitter. Criteria: ACMG Guidelines, 2015. Collection method: not provided. Allele origin: germline. Inheritance: Autosomal recessive inheritance. Affected: yes.

NM_000878.5(IL2RB):c.810C>T (p.Thr270=)

Gene: IL2RB (interleukin 2 receptor subunit beta; minus strand). Cytogenetic location: 22q12.3.
Variant type: single nucleotide variant.
Coding change: c.810C>T on transcript NM_000878.5 (MANE Select); coding-DNA position 810, C replaced by T.
Protein change: p.Thr270=; no amino-acid change (threonine 270 retained).
Molecular consequence: synonymous variant.
Genome position (GRCh38, 1-based): chr22:37,135,336, G>A on the plus strand (C>T on the coding strand, the complement: IL2RB is on the minus strand). VCF-style: chr22-37135336-G-A. GRCh37 (hg19) VCF-style: chr22-37531376-G-A.
Other names: p.Thr270=; c.810C>T, p.Thr270= (NM_001346222.1, NM_001346223.2).
Identifiers: ClinVar variation 1169726 (VCV001169726.44), dbSNP rs115475423, ClinGen allele CA10216519.